The following is an entry in ClinVar:

ClinVar aggregate classification (germline): Benign/Likely benign. Review status: criteria provided, multiple submitters, no conflicts (2 of 4 stars). 7 submissions from 7 submitters: Benign (3); Likely benign (2). 2 of the submissions do not count toward it. Last evaluated 2026-02-03.

Conditions:
Beckwith-Wiedemann syndrome (BWS). Also called: Exomphalos macroglossia gigantism syndrome; EMG SYNDROME. Identifiers: Orphanet 116, MedGen C0004903, MONDO:0007534, OMIM 130650.

Allele frequency attached by ClinVar (database versions not stated): ESP Exome Variant Server 0.00029; gnomAD exomes 0.00128 and 0.00389; gnomAD 0.00183 and 0.00221; TOPMed 0.00307; 1000 Genomes Project 0.00459; 1000 Genomes Project 30x 0.00531; ExAC 0.00596.
gnomAD v4.1: 2,075 of 1,496,048 alleles (0.14%); highest among the groups gnomAD compares: East Asian, 2.6%; 14 homozygotes.

Submissions (7):

Labcorp Genetics (formerly Invitae), Labcorp
Classification: Benign for Beckwith-Wiedemann syndrome. Last evaluated: 2026-02-03. Review status: criteria provided, single submitter. Criteria: Invitae Variant Classification Sherloc (09022015). Collection method: clinical testing. Allele origin: germline.

Blueprint Genetics
Classification: Benign. Last evaluated: 2024-11-21. Review status: criteria provided, single submitter. Criteria: ACMG Guidelines, 2015. Collection method: clinical testing. Allele origin: germline.

Genetic Services Laboratory, University of Chicago
Classification: Likely benign. Last evaluated: 2013-10-31. Review status: criteria provided, single submitter. Criteria: ACMG Guidelines, 2007. Collection method: clinical testing. Allele origin: germline. Inheritance: Autosomal dominant inheritance.
Comment: Likely benign based on allele frequency in 1000 Genomes Project or ESP global frequency and its presence in a patient with a rare or unrelated disease phenotype. NOT Sanger confirmed

Breakthrough Genomics
Classification: Likely benign. Review status: criteria provided, single submitter. Criteria: ACMG Guidelines, 2015. Collection method: not provided. Allele origin: germline. Inheritance: Autosomal dominant inheritance. Affected: yes.

PreventionGenetics, part of Exact Sciences
Classification: Benign. Review status: criteria provided, single submitter. Criteria: ACMG Guidelines, 2015. Collection method: clinical testing. Allele origin: germline.

Clinical Genetics DNA and cytogenetics Diagnostics Lab, Erasmus MC, Erasmus Medical Center
Classification: Benign. Review status: no assertion criteria provided. Collection method: clinical testing. Allele origin: germline. Affected: yes. Study: VKGL Data-share Consensus. Not counted in ClinVar's aggregate classification.

Laboratory of Diagnostic Genome Analysis, Leiden University Medical Center (LUMC)
Classification: Likely benign. Review status: no assertion criteria provided. Collection method: clinical testing. Allele origin: germline. Affected: yes. Study: VKGL Data-share Consensus. Not counted in ClinVar's aggregate classification.

NM_001122630.2(CDKN1C):c.675G>A (p.Glu225=)

Gene: CDKN1C (cyclin dependent kinase inhibitor 1C; minus strand). Cytogenetic location: 11p15.4.
Variant type: single nucleotide variant.
Coding change: c.675G>A on transcript NM_001122630.2 (MANE Select); coding-DNA position 675, G replaced by A.
Protein change: p.Glu225=; no amino-acid change (glutamic acid 225 retained).
Molecular consequence: synonymous variant. On other transcripts: intron variant (1).
Genome position (GRCh38, 1-based): chr11:2,884,782, C>T on the plus strand (G>A on the coding strand, the complement: CDKN1C is on the minus strand). VCF-style: chr11-2884782-C-T. GRCh37 (hg19) VCF-style: chr11-2906012-C-T.
Other names: c.708G>A, p.Glu236= (LRG_533t1, NM_000076.2, NM_001362474.2); c.675G>A, p.Glu225= (NM_001122631.2); c.255+420G>A (NM_001362475.2).
Identifiers: ClinVar variation 158190 (VCV000158190.21), dbSNP rs3741341, ClinGen allele CA171665.
Genomic context (GRCh38, chr11:2,884,782, plus strand): 5'-GGCCGCGGTGCCGGCCGCGGGACGTCCCGAAATCCCCGAGTGCAGCTGGTCAGCGAGAGG[C>T]TCCTGGCCGCGCTGCCCCTGGTTCGCGCCCTGCTCGGCGCTCTCTTGAGGCGCCGCGTCC-3'
Protein context (NP_001116102.1, residues 215-235): QGANQGQRGQ[Glu225=]PLADQLHSGI